The following is an entry in ClinVar:

NM_000455.5(STK11):c.156_157dup (p.Asp53fs)

Gene: STK11 (serine/threonine kinase 11; plus strand). Cytogenetic location: 19p13.3.
Variant type: Duplication.
Coding change: c.156_157dup on transcript NM_000455.5 (MANE Select); coding-DNA positions 156 to 157, 2 bases duplicated (GG; older notation c.156_157dupGG).
Protein change: p.Asp53fs; shifts the reading frame from aspartic acid 53.
Molecular consequence: frameshift variant.
Genome position (GRCh38, 1-based): chr19:1,207,069-1,207,070, GG duplicated; duplicating any 2 consecutive bases within chr19:1,207,066-1,207,070 gives the same sequence; the c. name uses the placement nearest the transcript's 3' end. VCF-style (leftmost placement, unchanged base first): chr19-1207065-T-TGG. GRCh37 (hg19) VCF-style: chr19-1207064-T-TGG.
Other names: c.156_157dupGG (NM_000455.4); c.156_157dup, p.Asp53Glyfs (NM_001407255.1); short protein forms D53fs.
Identifiers: ClinVar variation 1775237 (VCV001775237.2), dbSNP rs1131690917, ClinGen allele CA2580096044.

ClinVar aggregate classification (germline): Pathogenic. Review status: criteria provided, multiple submitters, no conflicts (2 of 4 stars). 2 submissions from 2 submitters: Pathogenic (2). Last evaluated 2024-02-09.

Conditions:
Hereditary cancer-predisposing syndrome. Also called: Tumor predisposition; Neoplastic Syndromes, Hereditary; Hereditary Cancer Syndrome; Hereditary neoplastic syndrome. Identifiers: Orphanet 140162, MedGen C0027672, MeSH D009386, MONDO:0015356.
Peutz-Jeghers syndrome (PJS). Also called: POLYPOSIS, HAMARTOMATOUS INTESTINAL; POLYPS-AND-SPOTS SYNDROME; Peutz-Jeghers polyposis; Periorificial lentiginosis syndrome. Identifiers: Orphanet 2869, MedGen C0031269, MeSH D010580, MONDO:0008280, OMIM 175200.

Submissions (2):

Myriad Genetics, Inc.
Classification: Pathogenic for Peutz-Jeghers syndrome. Last evaluated: 2024-02-09. Review status: criteria provided, single submitter. Criteria: Myriad Autosomal Dominant, Autosomal Recessive and X-Linked Classification Criteria (2023). Collection method: clinical testing. Allele origin: unknown.
Comment: This variant is considered pathogenic. This variant creates a frameshift predicted to result in premature protein truncation.

Ambry Genetics
Classification: Pathogenic for Hereditary cancer-predisposing syndrome. Last evaluated: 2020-12-15. Review status: criteria provided, single submitter. Criteria: Ambry Variant Classification Scheme 2023. Collection method: clinical testing. Allele origin: germline.
Comment: The c.156_157dupGG pathogenic mutation, located in coding exon 1 of the STK11 gene, results from a duplication of GG at nucleotide position 156, causing a translational frameshift with a predicted alternate stop codon (p.D53Gfs*12). This mutation (designated as 157-158insGG) has been identified in an individual satisfying clinical diagnostic criteria for Peutz-Jeghers syndrome (Amos CI et al. J Med Genet, 2004 May;41:327-33). This alteration is expected to result in loss of function by premature protein truncation or nonsense-mediated mRNA decay. As such, this alteration is interpreted as a disease-causing mutation.

Literature cited by the submitters: PubMed 15121768 (cited by Ambry Genetics).